The following is an entry in ClinVar:

NM_001083116.3(PRF1):c.706C>T (p.Leu236Phe)

Gene: PRF1 (perforin 1; minus strand). Cytogenetic location: 10q22.1.
Variant type: single nucleotide variant.
Coding change: c.706C>T on transcript NM_001083116.3 (MANE Select); coding-DNA position 706, C replaced by T.
Protein change: p.Leu236Phe; replaces leucine 236 with phenylalanine.
Molecular consequence: missense variant.
Genome position (GRCh38, 1-based): chr10:70,599,015, G>A on the plus strand (C>T on the coding strand, the complement: PRF1 is on the minus strand). VCF-style: chr10-70599015-G-A. GRCh37 (hg19) VCF-style: chr10-72358771-G-A.
Other names: c.706C>T, p.Leu236Phe (NM_005041.6); short protein forms L236F.
Identifiers: ClinVar variation 1334601 (VCV001334601.8), dbSNP rs1373180931, ClinGen allele CA376958852.

ClinVar aggregate classification (germline): Uncertain significance. Review status: criteria provided, multiple submitters, no conflicts (2 of 4 stars). 2 submissions from 2 submitters: Uncertain significance (2). Last evaluated 2021-12-23.

Conditions:
Familial hemophagocytic lymphohistiocytosis 2 (FHL2). Also called: PRF1-Related Familial Hemophagocytic Lymphohistiocytosis (PRF1-fHLH). Identifiers: Orphanet 540, MedGen C1863727, MONDO:0011337, OMIM 603553.

Allele frequency attached by ClinVar (database versions not stated): TOPMed below 0.00001; gnomAD 0.00001; gnomAD exomes 0.00001.
gnomAD v4.1: 21 of 1,613,692 alleles (0.0013%); highest among the groups gnomAD compares: Non-Finnish European, 0.0017%; no homozygotes.

Submissions (2):

Labcorp Genetics (formerly Invitae), Labcorp
Classification: Uncertain significance for Familial hemophagocytic lymphohistiocytosis 2. Last evaluated: 2021-12-23. Review status: criteria provided, single submitter. Criteria: Invitae Variant Classification Sherloc (09022015). Collection method: clinical testing. Allele origin: germline.
Comment: This sequence change replaces leucine, which is neutral and non-polar, with phenylalanine, which is neutral and non-polar, at codon 236 of the PRF1 protein (p.Leu236Phe). This variant is present in population databases (no rsID available, gnomAD 0.002%). This variant has not been reported in the literature in individuals affected with PRF1-related conditions. Algorithms developed to predict the effect of missense changes on protein structure and function are either unavailable or do not agree on the potential impact of this missense change (SIFT: "Deleterious"; PolyPhen-2: "Probably Damaging"; Align-GVGD: "Class C0"). In summary, the available evidence is currently insufficient to determine the role of this variant in disease. Therefore, it has been classified as a Variant of Uncertain Significance.

Greenwood Genetic Center Diagnostic Laboratories, Greenwood Genetic Center
Classification: Uncertain significance. Last evaluated: 2021-09-22. Review status: criteria provided, single submitter. Criteria: ACMG Guidelines, 2015. Collection method: clinical testing. Allele origin: germline. Affected: yes.
Comment: PM2, PM3_Supporting